The following is an entry in ClinVar:

ClinVar aggregate classification (germline): Likely benign. Review status: criteria provided, multiple submitters, no conflicts (2 of 4 stars). 2 submissions from 2 submitters: Likely benign (2). Last evaluated 2026-08-01.

Allele frequency attached by ClinVar (database versions not stated): TOPMed 0.00011; gnomAD 0.00031; ExAC 0.00156; 1000 Genomes Project 30x 0.00219; 1000 Genomes Project 0.00220.

Submissions (2):

CeGaT Center for Human Genetics Tuebingen
Classification: Likely benign. Last evaluated: 2026-08-01. Review status: criteria provided, single submitter. Criteria: CeGaT Center For Human Genetics Tuebingen Variant Classification Criteria Version 2. Collection method: clinical testing. Allele origin: germline. Affected: yes. Observed: 9 variant alleles.
Comment: EMC10: BP4, BP7, BS2

Blueprint Genetics
Classification: Likely benign. Last evaluated: 2024-11-25. Review status: criteria provided, single submitter. Criteria: ACMG Guidelines, 2015. Collection method: clinical testing. Allele origin: germline.

NM_206538.4(EMC10):c.357G>C (p.Leu119=)

Gene: EMC10 (ER membrane protein complex subunit 10; plus strand). Cytogenetic location: 19q13.33.
Variant type: single nucleotide variant.
Coding change: c.357G>C on transcript NM_206538.4 (MANE Select); coding-DNA position 357, G replaced by C.
Protein change: p.Leu119=; no amino-acid change (leucine 119 retained).
Molecular consequence: synonymous variant.
Genome position (GRCh38, 1-based): chr19:50,480,170, G>C. VCF-style: chr19-50480170-G-C. GRCh37 (hg19) VCF-style: chr19-50983427-G-C.
Other names: c.357G>C, p.Leu119= (NM_175063.6).
Identifiers: ClinVar variation 2650343 (VCV002650343.25), dbSNP rs534729558, ClinGen allele CA9599030.